The following is an entry in ClinVar:

ClinVar aggregate classification (germline): Uncertain significance (1 of 4 stars; one submission).

Conditions:
Cardiovascular phenotype. Identifiers: MedGen CN230736.

gnomAD v4.1: 1 of 1,614,060 alleles (0.000062%); highest among the groups gnomAD compares: Admixed American, 0.0017%; no homozygotes.

Submission:

Ambry Genetics
Classification: Uncertain significance for Cardiovascular phenotype. Last evaluated: 2025-03-25. Review status: criteria provided, single submitter. Criteria: Ambry Variant Classification Scheme 2023. Collection method: clinical testing. Allele origin: germline.
Comment: The p.E403G variant (also known as c.1208A>G), located in coding exon 8 of the AKAP9 gene, results from an A to G substitution at nucleotide position 1208. The glutamic acid at codon 403 is replaced by glycine, an amino acid with similar properties. This amino acid position is conserved. In addition, this alteration is predicted to be tolerated by in silico analysis. Based on the available evidence, the clinical significance of this variant remains unclear.

NM_005751.5(AKAP9):c.1208A>G (p.Glu403Gly)

Gene: AKAP9 (A-kinase anchoring protein 9; plus strand). Cytogenetic location: 7q21.2.
Variant type: single nucleotide variant.
Coding change: c.1208A>G on transcript NM_005751.5 (MANE Select); coding-DNA position 1208, A replaced by G.
Protein change: p.Glu403Gly; replaces glutamic acid 403 with glycine.
Molecular consequence: missense variant.
Genome position (GRCh38, 1-based): chr7:92,001,125, A>G. VCF-style: chr7-92001125-A-G. GRCh37 (hg19) VCF-style: chr7-91630439-A-G.
Other names: c.1208A>G, p.Glu403Gly (NM_147185.3); short protein forms E403G.
Identifiers: ClinVar variation 4033705 (VCV004033705.1).